The following is an entry in ClinVar:

NM_018683.4(RNF114):c.560G>A (p.Arg187His)

Gene: RNF114 (ring finger protein 114; plus strand). Cytogenetic location: 20q13.13.
Variant type: single nucleotide variant.
Coding change: c.560G>A on transcript NM_018683.4 (MANE Select); coding-DNA position 560, G replaced by A.
Protein change: p.Arg187His; replaces arginine 187 with histidine.
Molecular consequence: missense variant.
Genome position (GRCh38, 1-based): chr20:49,949,294, G>A. VCF-style: chr20-49949294-G-A. GRCh37 (hg19) VCF-style: chr20-48565831-G-A.
Other names: short protein forms R187H.
Identifiers: ClinVar variation 2652393 (VCV002652393.24), dbSNP rs41303809, ClinGen allele CA9905383.
Genomic context (GRCh38, chr20:49,949,294, plus strand): 5'-TTTTGTGTTGAAAGGTTTGTCCGATATGTGCCTCGATGCCCTGGGGAGACCCCAACTACC[G>A]CAGCGCCAACTTCAGAGAGCACATCCAGCGCCGGCACCGGTTTTCTTATGACACTTTTGT-3'
Protein context (NP_061153.1, residues 177-197): ASMPWGDPNY[Arg187His]SANFREHIQR

ClinVar aggregate classification (germline): Likely benign (1 of 4 stars; one submission).

Allele frequency attached by ClinVar (database versions not stated): 1000 Genomes Project 30x 0.00094; 1000 Genomes Project 0.00100; ESP Exome Variant Server 0.00161; ExAC 0.00255.
gnomAD v4.1: 4,347 of 1,614,148 alleles (0.27%); highest among the groups gnomAD compares: Non-Finnish European, 0.32%; 9 homozygotes.

Submission:

CeGaT Center for Human Genetics Tuebingen
Classification: Likely benign. Last evaluated: 2022-12-01. Review status: criteria provided, single submitter. Criteria: CeGaT Center For Human Genetics Tuebingen Variant Classification Criteria Version 2. Collection method: clinical testing. Allele origin: germline. Affected: yes. Observed: 1 variant allele.
Comment: RNF114: BS2